The following is an entry in ClinVar:

ClinVar aggregate classification (germline): Uncertain significance (1 of 4 stars; one submission).

Conditions:
Hypertrophic cardiomyopathy. Also called: HYPERTROPHIC MYOCARDIOPATHY. Identifiers: Orphanet 217569, MedGen C0007194, MeSH D002312, MONDO:0005045, HP:0001639.

Submission:

Labcorp Genetics (formerly Invitae), Labcorp
Classification: Uncertain significance for Hypertrophic cardiomyopathy. Last evaluated: 2024-12-07. Review status: criteria provided, single submitter. Criteria: Invitae Variant Classification Sherloc (09022015). Collection method: clinical testing. Allele origin: germline.
Comment: This sequence change creates a premature translational stop signal (p.Lys921Leufs*4) in the MYOM1 gene. It is expected to result in an absent or disrupted protein product. However, the current clinical and genetic evidence is not sufficient to establish whether loss-of-function variants in MYOM1 cause disease. This variant is not present in population databases (gnomAD no frequency). This variant has not been reported in the literature in individuals affected with MYOM1-related conditions. In summary, the available evidence is currently insufficient to determine the role of this variant in disease. Therefore, it has been classified as a Variant of Uncertain Significance.

NM_003803.4(MYOM1):c.2761_2764del (p.Lys921fs)

Gene: MYOM1 (myomesin 1; minus strand). Cytogenetic location: 18p11.31.
Variant type: Microsatellite.
Coding change: c.2761_2764del on transcript NM_003803.4 (MANE Select); coding-DNA positions 2761 to 2764, 4 bases deleted (AAGT; older notation c.2761_2764delAAGT).
Protein change: p.Lys921fs; shifts the reading frame from lysine 921.
Molecular consequence: frameshift variant. On other transcripts: intron variant (1).
Genome position (GRCh38, 1-based): chr18:3,129,262-3,129,265, ACTT deleted on the plus strand (AAGT on the coding strand, the reverse complement: MYOM1 is on the minus strand); deleting any 4 consecutive bases within chr18:3,129,262-3,129,269 gives the same sequence; the c. name uses the placement nearest the transcript's 3' end. VCF-style (leftmost placement, unchanged base first): chr18-3129261-GACTT-G. GRCh37 (hg19) VCF-style: chr18-3129259-GACTT-G.
Other names: c.2506+2110_2506+2113del (NM_019856.2); short protein forms K921fs.
Identifiers: ClinVar variation 3726751 (VCV003726751.2).